The following is an entry in ClinVar:

ClinVar aggregate classification (germline): Uncertain significance. Review status: criteria provided, multiple submitters, no conflicts (2 of 4 stars). 2 submissions from 2 submitters: Uncertain significance (2). Last evaluated 2025-01-29.

Conditions:
Joubert syndrome. Also called: Familial aplasia of the vermis; JOUBERT-BOLTSHAUSER SYNDROME. Identifiers: Orphanet 475, MedGen C5979921, MONDO:0018772.
INPP5E-related disorder. Also called: INPP5E-related condition.

Allele frequency attached by ClinVar (database versions not stated): gnomAD 0.00001.

Submissions (2):

PreventionGenetics, part of Exact Sciences
Classification: Uncertain significance for INPP5E-related condition. Last evaluated: 2025-01-29. Review status: criteria provided, single submitter. Criteria: ACMG Guidelines, 2015. Collection method: clinical testing. Allele origin: germline.
Comment: The INPP5E c.302A>G variant is predicted to result in the amino acid substitution p.Glu101Gly. To our knowledge, this variant has not been reported in the literature or in a large population database (gnomAD), indicating this variant is rare. At this time, the clinical significance of this variant is uncertain due to the absence of conclusive functional and genetic evidence.

Labcorp Genetics (formerly Invitae), Labcorp
Classification: Uncertain significance for Joubert syndrome. Last evaluated: 2022-02-10. Review status: criteria provided, single submitter. Criteria: Invitae Variant Classification Sherloc (09022015). Collection method: clinical testing. Allele origin: germline.
Comment: Advanced modeling of protein sequence and biophysical properties (such as structural, functional, and spatial information, amino acid conservation, physicochemical variation, residue mobility, and thermodynamic stability) performed at Invitae indicates that this missense variant is expected to disrupt INPP5E protein function. ClinVar contains an entry for this variant (Variation ID: 1042988). This variant has not been reported in the literature in individuals affected with INPP5E-related conditions. This variant is not present in population databases (gnomAD no frequency). This sequence change replaces glutamic acid, which is acidic and polar, with glycine, which is neutral and non-polar, at codon 101 of the INPP5E protein (p.Glu101Gly). In summary, the available evidence is currently insufficient to determine the role of this variant in disease. Therefore, it has been classified as a Variant of Uncertain Significance.

NM_019892.6(INPP5E):c.302A>G (p.Glu101Gly)

Gene: INPP5E (inositol polyphosphate-5-phosphatase E; minus strand). Cytogenetic location: 9q34.3.
Variant type: single nucleotide variant.
Coding change: c.302A>G on transcript NM_019892.6 (MANE Select); coding-DNA position 302, A replaced by G.
Protein change: p.Glu101Gly; replaces glutamic acid 101 with glycine.
Molecular consequence: missense variant.
Genome position (GRCh38, 1-based): chr9:136,439,118, T>C on the plus strand (A>G on the coding strand, the complement: INPP5E is on the minus strand). VCF-style: chr9-136439118-T-C. GRCh37 (hg19) VCF-style: chr9-139333570-T-C.
Other names: c.302A>G, p.Glu101Gly (NM_001318502.2); c.302A>G (NM_019892.5); short protein forms E101G.
Identifiers: ClinVar variation 1042988 (VCV001042988.10), dbSNP rs1835922640, ClinGen allele CA375569909.